The following is an entry in ClinVar:

ClinVar aggregate classification (germline): Likely benign. Review status: criteria provided, multiple submitters, no conflicts (2 of 4 stars). 2 submissions from 2 submitters: Likely benign (2). Last evaluated 2026-07-01.

Conditions:
Developmental and epileptic encephalopathy, 27 (DEE27). Also called: Epileptic encephalopathy, early infantile, 27; GRIN2B-Related Neurodevelopmental Disorder. Identifiers: Orphanet 3451, MedGen C4015316, MONDO:0014505, OMIM 616139.
Intellectual developmental disorder, autosomal dominant 6, with or without seizures. Also called: Intellectual disability, autosomal dominant 6; GRIN2B-related developmental delay, intellectual disability and autism spectrum disorder. Identifiers: Orphanet 589547, MedGen C3151411, MONDO:0013509, OMIM 613970.

gnomAD v4.1: 4 of 1,613,410 alleles (0.00025%); highest among the groups gnomAD compares: East Asian, 0.0022%; no homozygotes.

Submissions (2):

CeGaT Center for Human Genetics Tuebingen
Classification: Likely benign. Last evaluated: 2026-07-01. Review status: criteria provided, single submitter. Criteria: CeGaT Center For Human Genetics Tuebingen Variant Classification Criteria Version 2. Collection method: clinical testing. Allele origin: germline. Affected: yes. Observed: 1 variant allele.
Comment: GRIN2B: BP4, BP7

Labcorp Genetics (formerly Invitae), Labcorp
Classification: Likely benign for Developmental and epileptic encephalopathy, 27; Intellectual developmental disorder, autosomal dominant 6, with or without seizures. Last evaluated: 2025-11-26. Review status: criteria provided, single submitter. Criteria: Invitae Variant Classification Sherloc (09022015). Collection method: clinical testing. Allele origin: germline.

NM_000834.5(GRIN2B):c.3552C>A (p.Gly1184=)

Gene: GRIN2B (glutamate ionotropic receptor NMDA type subunit 2B; minus strand). Cytogenetic location: 12p13.1.
Variant type: single nucleotide variant.
Coding change: c.3552C>A on transcript NM_000834.5 (MANE Select); coding-DNA position 3552, C replaced by A.
Protein change: p.Gly1184=; no amino-acid change (glycine 1184 retained).
Molecular consequence: synonymous variant.
Genome position (GRCh38, 1-based): chr12:13,563,686, G>T on the plus strand (C>A on the coding strand, the complement: GRIN2B is on the minus strand). VCF-style: chr12-13563686-G-T. GRCh37 (hg19) VCF-style: chr12-13716620-G-T.
Other names: c.3552C>A, p.Gly1184= (NM_001413992.1).
Identifiers: ClinVar variation 4790568 (VCV004790568.2).